The following is an entry in ClinVar:

NM_152703.5(SAMD9L):c.2050GAA[1] (p.Glu685del)

Gene: SAMD9L (sterile alpha motif domain containing 9 like; minus strand). Cytogenetic location: 7q21.2.
Variant type: Microsatellite.
Coding change: c.2050GAA[1] on transcript NM_152703.5 (MANE Select); one copy of the 3-base unit GAA starting at c.2050; the reference has two copies in a row; one copy, 3 bases deleted.
Protein change: p.Glu685del; deletes glutamic acid 685.
Molecular consequence: inframe deletion.
Genome position (GRCh38, 1-based): chr7:93,133,917-93,133,919, TTC deleted on the plus strand (GAA on the coding strand, the reverse complement: SAMD9L is on the minus strand); deleting any 3 consecutive bases within chr7:93,133,917-93,133,924 gives the same sequence; the position shown is the placement nearest the transcript's 3' end. VCF-style (leftmost placement, unchanged base first): chr7-93133916-GTTC-G. GRCh37 (hg19) VCF-style: chr7-92763229-GTTC-G.
Other names: c.2050GAA[1], p.Glu685del (NM_001303500.3, NM_001350082.2, NM_001350083.2 and 5 more transcripts); short protein forms E685del.
Identifiers: ClinVar variation 3018928 (VCV003018928.3), dbSNP rs2535423114, ClinGen allele CA2578939316.

ClinVar aggregate classification (germline): Uncertain significance (1 of 4 stars; one submission).

Submission:

Labcorp Genetics (formerly Invitae), Labcorp
Classification: Uncertain significance. Last evaluated: 2023-08-24. Review status: criteria provided, single submitter. Criteria: Invitae Variant Classification Sherloc (09022015). Collection method: clinical testing. Allele origin: germline.
Comment: In summary, the available evidence is currently insufficient to determine the role of this variant in disease. Therefore, it has been classified as a Variant of Uncertain Significance. Experimental studies and prediction algorithms are not available or were not evaluated, and the functional significance of this variant is currently unknown. This variant has not been reported in the literature in individuals affected with SAMD9L-related conditions. This variant is not present in population databases (gnomAD no frequency). This variant, c.2053_2055del, results in the deletion of 1 amino acid(s) of the SAMD9L protein (p.Glu685del), but otherwise preserves the integrity of the reading frame.